The following is an entry in ClinVar:

NM_182914.3(SYNE2):c.7541A>T (p.Asn2514Ile)

Gene: SYNE2 (spectrin repeat containing nuclear envelope protein 2; plus strand). Cytogenetic location: 14q23.2.
Variant type: single nucleotide variant.
Coding change: c.7541A>T on transcript NM_182914.3 (MANE Select); coding-DNA position 7541, A replaced by T.
Protein change: p.Asn2514Ile; replaces asparagine 2514 with isoleucine.
Molecular consequence: missense variant.
Genome position (GRCh38, 1-based): chr14:64,049,774, A>T. VCF-style: chr14-64049774-A-T. GRCh37 (hg19) VCF-style: chr14-64516492-A-T.
Other names: c.7541A>T, p.Asn2514Ile (NM_015180.6); short protein forms N2514I.
Identifiers: ClinVar variation 940372 (VCV000940372.8), dbSNP rs771061486, ClinGen allele CA7220958.

ClinVar aggregate classification (germline): Uncertain significance. Review status: criteria provided, multiple submitters, no conflicts (2 of 4 stars). 2 submissions from 2 submitters: Uncertain significance (2). Last evaluated 2025-12-19.

Conditions:
Emery-Dreifuss muscular dystrophy 5, autosomal dominant (EDMD5). Also called: EMERY-DREIFUSS MUSCULAR DYSTROPHY 5. Identifiers: Orphanet 261, MedGen C2751805, MONDO:0013072, OMIM 612999.

Allele frequency attached by ClinVar (database versions not stated): gnomAD exomes 0.00001 and 0.00002; TOPMed 0.00001; ExAC 0.00002; gnomAD 0.00002.
gnomAD v4.1: 24 of 1,614,066 alleles (0.0015%); highest among the groups gnomAD compares: Middle Eastern, 0.033%; no homozygotes.

Submissions (2):

Labcorp Genetics (formerly Invitae), Labcorp
Classification: Uncertain significance for Emery-Dreifuss muscular dystrophy 5, autosomal dominant. Last evaluated: 2025-12-19. Review status: criteria provided, single submitter. Criteria: Invitae Variant Classification Sherloc (09022015). Collection method: clinical testing. Allele origin: germline.
Comment: This sequence change replaces asparagine, which is neutral and polar, with isoleucine, which is neutral and non-polar, at codon 2514 of the SYNE2 protein (p.Asn2514Ile). This variant is present in population databases (rs771061486, gnomAD 0.005%). This variant has not been reported in the literature in individuals affected with SYNE2-related conditions. ClinVar contains an entry for this variant (Variation ID: 940372). An algorithm developed to predict the effect of missense changes on protein structure and function (PolyPhen-2) suggests that this variant is likely to be disruptive. In summary, the available evidence is currently insufficient to determine the role of this variant in disease. Therefore, it has been classified as a Variant of Uncertain Significance.

Ambry Genetics
Classification: Uncertain significance. Last evaluated: 2025-01-01. Review status: criteria provided, single submitter. Criteria: Ambry Variant Classification Scheme 2023. Collection method: clinical testing. Allele origin: germline.